The following is an entry in ClinVar:

ClinVar aggregate classification (germline): Uncertain significance (1 of 4 stars; one submission).

Submission:

GeneDx
Classification: Uncertain significance. Last evaluated: 2024-12-15. Review status: criteria provided, single submitter. Criteria: GeneDx Variant Classification Process June 2021. Collection method: clinical testing. Allele origin: germline. Affected: yes.
Comment: Not observed at significant frequency in large population cohorts (gnomAD); In silico analysis indicates that this missense variant does not alter protein structure/function; Has not been previously published as pathogenic or benign to our knowledge

NM_001379110.1(SLC9A6):c.1772A>C (p.Gln591Pro)

Gene: SLC9A6 (solute carrier family 9 member A6; plus strand). Cytogenetic location: Xq26.3.
Variant type: single nucleotide variant.
Coding change: c.1772A>C on transcript NM_001379110.1 (MANE Select); coding-DNA position 1772, A replaced by C.
Protein change: p.Gln591Pro; replaces glutamine 591 with proline.
Molecular consequence: missense variant.
Genome position (GRCh38, 1-based): chrX:136,044,456, A>C. VCF-style: chrX-136044456-A-C. GRCh37 (hg19) VCF-style: chrX-135126615-A-C.
Other names: c.1838A>C, p.Gln613Pro (NM_001042537.2); c.1682A>C, p.Gln561Pro (NM_001177651.2, NM_001400909.1, NM_001400910.1 and 2 more transcripts); c.1586A>C, p.Gln529Pro (NM_001330652.2, NM_001400913.1); c.1742A>C, p.Gln581Pro (NM_006359.3); short protein forms Q529P, Q561P, Q581P, Q591P, Q613P.
Identifiers: ClinVar variation 3903021 (VCV003903021.1).